The following is an entry in ClinVar:

NM_003097.6(SNRPN):c.530C>T (p.Pro177Leu)

Genes: SNHG14 (small nucleolar RNA host gene 14; plus strand), SNRPN (small nuclear ribonucleoprotein polypeptide N; plus strand), SNURF (SNRPN upstream open reading frame; plus strand). Cytogenetic location: 15q11.2.
Variant type: single nucleotide variant.
Coding change: c.530C>T on transcript NM_003097.6 (MANE Select); coding-DNA position 530, C replaced by T.
Protein change: p.Pro177Leu; replaces proline 177 with leucine.
Molecular consequence: missense variant. On other transcripts: 3 prime UTR variant (1), non-coding transcript variant (1).
Genome position (GRCh38, 1-based): chr15:24,977,887, C>T. VCF-style: chr15-24977887-C-T. GRCh37 (hg19) VCF-style: chr15-25223034-C-T.
Other names: c.530C>T, p.Pro177Leu (NM_001400637.1, NM_001400638.1, NM_001400639.1 and 99 more transcripts); c.*718C>T (NM_005678.5); c.506C>T, p.Pro169Leu (NM_001400767.1, NM_001378256.1, NM_001378257.1); c.266C>T, p.Pro89Leu (NM_001400768.1); c.542C>T, p.Pro181Leu (NM_001378251.1, NM_001378252.1, NM_001378253.1 and 2 more transcripts); short protein forms P169L, P177L, P181L, P89L.
Identifiers: ClinVar variation 4281335 (VCV004281335.7).

ClinVar aggregate classification (germline): Uncertain significance (1 of 4 stars; one submission).

Submission:

CeGaT Center for Human Genetics Tuebingen
Classification: Uncertain significance. Last evaluated: 2025-09-01. Review status: criteria provided, single submitter. Criteria: CeGaT Center For Human Genetics Tuebingen Variant Classification Criteria Version 2. Collection method: clinical testing. Allele origin: germline. Affected: yes. Observed: 1 variant allele.
Comment: SNRPN: PM2